The following is an entry in ClinVar:

ClinVar aggregate classification (germline): Uncertain significance (1 of 4 stars; one submission).

gnomAD v4.1: 3 of 1,599,888 alleles (0.00019%); highest among the groups gnomAD compares: African/African-American, 0.0013%; no homozygotes.

Submission:

GeneDx
Classification: Uncertain significance. Last evaluated: 2025-09-26. Review status: criteria provided, single submitter. Criteria: GeneDx Variant Classification Process June 2021. Collection method: clinical testing. Allele origin: germline. Affected: yes.
Comment: Not observed at significant frequency in large population cohorts (gnomAD); In silico analysis suggests that this variant does not alter splicing; Has not been previously published as pathogenic or benign to our knowledge

NM_003238.6(TGFB2):c.643+5C>T

Gene: TGFB2 (transforming growth factor beta 2; plus strand). Cytogenetic location: 1q41.
Variant type: single nucleotide variant.
Coding change: c.643+5C>T on transcript NM_003238.6 (MANE Select); 5 bases into the intron after coding-DNA position 643, C replaced by T.
Molecular consequence: intron variant.
Genome position (GRCh38, 1-based): chr1:218,434,219, C>T. VCF-style: chr1-218434219-C-T. GRCh37 (hg19) VCF-style: chr1-218607561-C-T.
Other names: c.727+5C>T (NM_001135599.4).
Identifiers: ClinVar variation 4818904 (VCV004818904.1).